The following is an entry in ClinVar:

NM_000455.5(STK11):c.993dup (p.Trp332fs)

Genes: STK11 (serine/threonine kinase 11; plus strand), LOC130062899 (ATAC-STARR-seq lymphoblastoid active region 13597; plus strand). Cytogenetic location: 19p13.3.
Variant type: Duplication.
Coding change: c.993dup on transcript NM_000455.5 (MANE Select); coding-DNA position 993, one base duplicated (G; older notation c.993dupG).
Protein change: p.Trp332fs; shifts the reading frame from tryptophan 332.
Molecular consequence: frameshift variant. On other transcripts: non-coding transcript variant (1).
Genome position (GRCh38, 1-based): chr19:1,223,057, G duplicated; the last of 2 consecutive G bases (chr19:1,223,056-1,223,057); duplicating either gives the same sequence. VCF-style (leftmost placement, unchanged base first): chr19-1223055-C-CG. GRCh37 (hg19) VCF-style: chr19-1223054-C-CG.
Other names: c.993dup, p.Trp332fs (NM_001407255.1); short protein forms W332fs.
Identifiers: ClinVar variation 3148496 (VCV003148496.1), dbSNP rs2512948940, ClinGen allele CA2825002718.
Genomic context (GRCh38, chr19:1,223,055, plus strand): 5'-AAGAAACATCCTCCGGCTGAAGCACCAGTGCCCATCCCACCGAGCCCAGACACCAAGGAC[C>CG]GGTGGCGCAGCATGACTGTGGTGCCGTACTTGGAGGACCTGCACGGCGCGGACGAGGACG-3'

ClinVar aggregate classification (germline): Pathogenic (1 of 4 stars; one submission).

Conditions:
Peutz-Jeghers syndrome (PJS). Also called: POLYPOSIS, HAMARTOMATOUS INTESTINAL; POLYPS-AND-SPOTS SYNDROME; Peutz-Jeghers polyposis; Periorificial lentiginosis syndrome. Identifiers: Orphanet 2869, MedGen C0031269, MeSH D010580, MONDO:0008280, OMIM 175200.

Submission:

Myriad Genetics, Inc.
Classification: Pathogenic for Peutz-Jeghers syndrome. Last evaluated: 2024-02-12. Review status: criteria provided, single submitter. Criteria: Myriad Autosomal Dominant, Autosomal Recessive and X-Linked Classification Criteria (2023). Collection method: clinical testing. Allele origin: unknown.
Comment: This variant is considered pathogenic. This variant creates a frameshift predicted to result in premature protein truncation.